The following is an entry in ClinVar:

ClinVar aggregate classification (germline): Likely benign (1 of 4 stars; one submission).

gnomAD v4.1: 12 of 1,592,332 alleles (0.00075%); highest among the groups gnomAD compares: African/African-American, 0.015%; no homozygotes.

Submission:

CeGaT Center for Human Genetics Tuebingen
Classification: Likely benign. Last evaluated: 2026-04-01. Review status: criteria provided, single submitter. Criteria: CeGaT Center For Human Genetics Tuebingen Variant Classification Criteria Version 2. Collection method: clinical testing. Allele origin: germline. Affected: yes. Observed: 1 variant allele.
Comment: HASPIN: BP4, BP7

NM_031965.2(HASPIN):c.48T>C (p.Tyr16=)

Genes: HASPIN (histone H3 associated protein kinase; plus strand), ITGAE (integrin subunit alpha E; minus strand). Cytogenetic location: 17p13.2.
Variant type: single nucleotide variant.
Coding change: c.48T>C on transcript NM_031965.2 (MANE Select); coding-DNA position 48, T replaced by C.
Protein change: p.Tyr16=; no amino-acid change (tyrosine 16 retained).
Molecular consequence: synonymous variant. On other transcripts: intron variant (3).
Genome position (GRCh38, 1-based): chr17:3,723,983, T>C. VCF-style: chr17-3723983-T-C. GRCh37 (hg19) VCF-style: chr17-3627277-T-C.
Other names: c.3007-239A>G (NM_001425071.1); c.3085-3581A>G (NM_001425072.1); c.3085-239A>G (NM_002208.5).
Identifiers: ClinVar variation 4873003 (VCV004873003.2).
Genomic context (GRCh38, chr17:3,723,983, plus strand): 5'-GCGGGTGCCGGCCATGGCGGCTTCGCTCCCGGGACCTGGGAGCCGGCTTTTCCGCACATA[T>C]GGGGCTGCGGACGGCAGGAGACAGCGGCGGCCGGGCCGGGAAGCCGCGCAGTGGTTCCCG-3'
Protein context (NP_114171.2, residues 6-26): PGPGSRLFRT[Tyr16=]GAADGRRQRR